The following is an entry in ClinVar:

ClinVar aggregate classification (germline): Benign/Likely benign. Review status: criteria provided, multiple submitters, no conflicts (2 of 4 stars). 3 submissions from 3 submitters: Benign (1); Likely benign (1). 1 of the submissions does not count toward it. Last evaluated 2026-01-19.

Conditions:
MYL2-related disorder. Also called: MYL2-related disorders; MYL2-related condition; MYL2-related disease.
Hypertrophic cardiomyopathy 10. Also called: MYL2-Related Familial Hypertrophic Cardiomyopathy; CARDIOMYOPATHY, HYPERTROPHIC, MID-LEFT VENTRICULAR CHAMBER TYPE, 2. Identifiers: MedGen C1834460, MONDO:0012112, OMIM 608758.

Allele frequency attached by ClinVar (database versions not stated): gnomAD 0.00007; gnomAD exomes 0.00011 and 0.00027; TOPMed 0.00013; ExAC 0.00019; 1000 Genomes Project 0.00020; 1000 Genomes Project 30x 0.00031.
gnomAD v4.1: 77 of 1,614,130 alleles (0.0048%); highest among the groups gnomAD compares: Admixed American, 0.12%; no homozygotes.

Submissions (3):

Labcorp Genetics (formerly Invitae), Labcorp
Classification: Benign for Hypertrophic cardiomyopathy 10. Last evaluated: 2026-01-19. Review status: criteria provided, single submitter. Criteria: Invitae Variant Classification Sherloc (09022015). Collection method: clinical testing. Allele origin: germline.

Mayo Clinic Laboratories, Mayo Clinic
Classification: Likely benign. Last evaluated: 2025-10-15. Review status: criteria provided, single submitter. Criteria: ACMG Guidelines, 2015. Collection method: clinical testing. Allele origin: germline. Observed: 1 variant allele.
Comment: BS1, BP4

PreventionGenetics, part of Exact Sciences
Classification: Likely benign for MYL2-related condition. Last evaluated: 2020-07-09. Review status: no assertion criteria provided. Collection method: clinical testing. Allele origin: germline. Not counted in ClinVar's aggregate classification.
Comment: This variant is classified as likely benign based on ACMG/AMP sequence variant interpretation guidelines (Richards et al. 2015 PMID: 25741868, with internal and published modifications).

NM_000432.4(MYL2):c.3+9A>G

Genes: MYL2 (myosin light chain 2; minus strand), LOC114827850 (VISTA enhancer hs2149; plus strand). Cytogenetic location: 12q24.11.
Variant type: single nucleotide variant.
Coding change: c.3+9A>G on transcript NM_000432.4 (MANE Select); 9 bases into the intron after coding-DNA position 3, A replaced by G.
Molecular consequence: intron variant.
Genome position (GRCh38, 1-based): chr12:110,920,518, T>C on the plus strand (A>G on the coding strand, the complement: MYL2 is on the minus strand). VCF-style: chr12-110920518-T-C. GRCh37 (hg19) VCF-style: chr12-111358322-T-C.
Other names: p.?.
Identifiers: ClinVar variation 307216 (VCV000307216.18), dbSNP rs201763406, ClinGen allele CA042433.